The following is an entry in ClinVar:

ClinVar aggregate classification (germline): Uncertain significance. Review status: criteria provided, multiple submitters, no conflicts (2 of 4 stars). 2 submissions from 2 submitters: Uncertain significance (2). Last evaluated 2025-10-06.

Conditions:
Schimke immuno-osseous dysplasia (SIOD). Also called: Schimke Immunoosseous Dysplasia. Identifiers: Orphanet 1830, MedGen C0877024, MONDO:0009458, OMIM 242900.

Allele frequency attached by ClinVar (database versions not stated): ExAC 0.00002; gnomAD exomes 0.00002 and 0.00005; gnomAD 0.00003; TOPMed 0.00003; ESP Exome Variant Server 0.00008.

Submissions (2):

Labcorp Genetics (formerly Invitae), Labcorp
Classification: Uncertain significance for Schimke immuno-osseous dysplasia. Last evaluated: 2025-10-06. Review status: criteria provided, single submitter. Criteria: Invitae Variant Classification Sherloc (09022015). Collection method: clinical testing. Allele origin: germline.
Comment: This sequence change replaces glycine, which is neutral and non-polar, with serine, which is neutral and polar, at codon 245 of the SMARCAL1 protein (p.Gly245Ser). This variant is present in population databases (rs137914185, gnomAD 0.005%). This variant has not been reported in the literature in individuals affected with SMARCAL1-related conditions. ClinVar contains an entry for this variant (Variation ID: 1345995). Invitae Evidence Modeling of protein sequence and biophysical properties (such as structural, functional, and spatial information, amino acid conservation, physicochemical variation, residue mobility, and thermodynamic stability) indicates that this missense variant is not expected to disrupt SMARCAL1 protein function with a negative predictive value of 80%. In summary, the available evidence is currently insufficient to determine the role of this variant in disease. Therefore, it has been classified as a Variant of Uncertain Significance.

Fulgent Genetics
Classification: Uncertain significance for Schimke immuno-osseous dysplasia. Last evaluated: 2024-03-19. Review status: criteria provided, single submitter. Criteria: ACMG Guidelines, 2015. Collection method: clinical testing. Allele origin: germline.

NM_014140.4(SMARCAL1):c.733G>A (p.Gly245Ser)

Gene: SMARCAL1 (SNF2 related chromatin remodeling annealing helicase 1; plus strand). Cytogenetic location: 2q35.
Variant type: single nucleotide variant.
Coding change: c.733G>A on transcript NM_014140.4 (MANE Select); coding-DNA position 733, G replaced by A.
Protein change: p.Gly245Ser; replaces glycine 245 with serine.
Molecular consequence: missense variant.
Genome position (GRCh38, 1-based): chr2:216,415,437, G>A. VCF-style: chr2-216415437-G-A. GRCh37 (hg19) VCF-style: chr2-217280160-G-A.
Other names: c.733G>A, p.Gly245Ser (NM_001127207.2); short protein forms G245S.
Identifiers: ClinVar variation 1345995 (VCV001345995.7), dbSNP rs137914185, ClinGen allele CA2097647.
Genomic context (GRCh38, chr2:216,415,437, plus strand): 5'-AAGTCAGGGTCCTCAGTCCAAAAAGGAGTGAACTCTCAGAAGGGAAAGTGCGTAAGGAAC[G>A]GCGATCGTTTCCAGGTGTTGATTGGGTACAATGCGGAACTCATTGCAGTGTTTAAGACCC-3'
Protein context (NP_054859.2, residues 235-255): NSQKGKCVRN[Gly245Ser]DRFQVLIGYN